The following is an entry in ClinVar:

NM_020433.5(JPH2):c.1890A>G (p.Lys630=)

Gene: JPH2 (junctophilin 2; minus strand). Cytogenetic location: 20q13.12.
Variant type: single nucleotide variant.
Coding change: c.1890A>G on transcript NM_020433.5 (MANE Select); coding-DNA position 1890, A replaced by G.
Protein change: p.Lys630=; no amino-acid change (lysine 630 retained).
Molecular consequence: synonymous variant.
Genome position (GRCh38, 1-based): chr20:44,115,785, T>C on the plus strand (A>G on the coding strand, the complement: JPH2 is on the minus strand). VCF-style: chr20-44115785-T-C. GRCh37 (hg19) VCF-style: chr20-42744425-T-C.
Identifiers: ClinVar variation 511790 (VCV000511790.15), dbSNP rs764093410, ClinGen allele CA9868573.

ClinVar aggregate classification (germline): Likely benign. Review status: criteria provided, multiple submitters, no conflicts (2 of 4 stars). 4 submissions from 4 submitters: Likely benign (4). Last evaluated 2026-06-29.

Conditions:
JPH2-related disorder. Also called: JPH2-related condition.
Hypertrophic cardiomyopathy. Also called: HYPERTROPHIC MYOCARDIOPATHY. Identifiers: Orphanet 217569, MedGen C0007194, MeSH D002312, MONDO:0005045, HP:0001639.
Cardiovascular phenotype. Identifiers: MedGen CN230736.

Allele frequency attached by ClinVar (database versions not stated): TOPMed below 0.00001; ExAC 0.00001; gnomAD exomes 0.00002 and 0.00003.
gnomAD v4.1: 9 of 1,610,278 alleles (0.00056%); highest among the groups gnomAD compares: Admixed American, 0.015%; no homozygotes.

Submissions (4):

PreventionGenetics, part of Exact Sciences
Classification: Likely benign for JPH2-related condition. Last evaluated: 2026-06-29. Review status: criteria provided, single submitter. Criteria: ACMG Guidelines, 2015. Collection method: clinical testing. Allele origin: germline.
Comment: This variant is classified as likely benign based on ACMG/AMP sequence variant interpretation guidelines (Richards et al. 2015 PMID: 25741868, with internal and published modifications).

Labcorp Genetics (formerly Invitae), Labcorp
Classification: Likely benign for Hypertrophic cardiomyopathy. Last evaluated: 2023-08-30. Review status: criteria provided, single submitter. Criteria: Invitae Variant Classification Sherloc (09022015). Collection method: clinical testing. Allele origin: germline.

GeneDx
Classification: Likely benign. Last evaluated: 2017-08-29. Review status: criteria provided, single submitter. Criteria: GeneDx Variant Classification (06012015). Collection method: clinical testing. Allele origin: germline. Affected: yes.
Comment: This variant is considered likely benign or benign based on one or more of the following criteria: it is a conservative change, it occurs at a poorly conserved position in the protein, it is predicted to be benign by multiple in silico algorithms, and/or has population frequency not consistent with disease.

Ambry Genetics
Classification: Likely benign for Cardiovascular phenotype. Last evaluated: 2016-12-29. Review status: criteria provided, single submitter. Criteria: Ambry Variant Classification Scheme 2023. Collection method: clinical testing. Allele origin: germline.